The following is an entry in ClinVar:

ClinVar aggregate classification (germline): Likely pathogenic (1 of 4 stars; one submission).

Conditions:
Nemaline myopathy 2 (NEM2). Also called: Nemaline myopathy 2, autosomal recessive. Identifiers: MedGen C1850569, MONDO:0009725, OMIM 256030.

Submission:

Myriad Genetics, Inc.
Classification: Likely pathogenic for Nemaline myopathy 2. Last evaluated: 2022-01-15. Review status: criteria provided, single submitter. Criteria: Myriad Women's Health Autosomal Recessive and X-Linked Classification Criteria (2021). Collection method: clinical testing. Allele origin: unknown.
Comment: NM_001271208.1(NEB):c.3383_3384delAA(K1128Rfs*3) is expected to be pathogenic in the context of NEB-related nemaline myopathy. This variant is predicted to lead to an abnormal or absent protein product due to the creation of a premature termination codon in NEB, a gene where loss-of-function variants are known to be pathogenic. Please note: this variant was assessed in the context of healthy population screening.

NM_001164508.2(NEB):c.3383_3384del (p.Lys1128fs)

Gene: NEB (nebulin; minus strand). Cytogenetic location: 2q23.3.
Variant type: Deletion.
Coding change: c.3383_3384del on transcript NM_001164508.2 (MANE Select); coding-DNA positions 3383 to 3384, 2 bases deleted (AA; older notation c.3383_3384delAA).
Protein change: p.Lys1128fs; shifts the reading frame from lysine 1128.
Molecular consequence: frameshift variant.
Genome position (GRCh38, 1-based): chr2:151,678,059-151,678,060, TT deleted on the plus strand (AA on the coding strand, the reverse complement: NEB is on the minus strand); deleting any 2 consecutive bases within chr2:151,678,059-151,678,064 gives the same sequence; the c. name uses the placement nearest the transcript's 3' end. VCF-style (leftmost placement, unchanged base first): chr2-151678058-CTT-C. GRCh37 (hg19) VCF-style: chr2-152534572-CTT-C.
Other names: c.3383_3384del, p.Lys1128fs (NM_001164507.2, NM_001271208.2, NM_004543.5); short protein forms K1128fs.
Identifiers: ClinVar variation 1723950 (VCV001723950.2), dbSNP rs2099386045, ClinGen allele CA2580064148.